The following is an entry in ClinVar:

ClinVar aggregate classification (germline): Conflicting classifications of pathogenicity. Review status: criteria provided, conflicting classifications (1 of 4 stars). 7 submissions from 7 submitters: Uncertain significance (1); Benign (1); Likely benign (2). 3 of the submissions do not count toward it. Last evaluated 2026-01-23.

Conditions:
Inborn genetic diseases. Identifiers: MedGen C0950123, MeSH D030342.
VCAN-related disorder. Also called: VCAN-related condition.
Vitreoretinopathy. Also called: Vitreoretinal degeneration. Identifiers: MedGen C0344290, MONDO:0020248, HP:0007773.

Allele frequency attached by ClinVar (database versions not stated): ExAC 0.00034; gnomAD 0.00051; TOPMed 0.00065; ESP Exome Variant Server 0.00108.
gnomAD v4.1: 1,349 of 1,613,884 alleles (0.084%); highest among the groups gnomAD compares: Non-Finnish European, 0.11%; 1 homozygote.

Submissions (7):

Labcorp Genetics (formerly Invitae), Labcorp
Classification: Likely benign. Last evaluated: 2026-01-23. Review status: criteria provided, single submitter. Criteria: Invitae Variant Classification Sherloc (09022015). Collection method: clinical testing. Allele origin: germline.

Blueprint Genetics
Classification: Likely benign. Last evaluated: 2024-10-16. Review status: criteria provided, single submitter. Criteria: ACMG Guidelines, 2015. Collection method: clinical testing. Allele origin: germline.

Ambry Genetics
Classification: Uncertain significance for Inborn genetic diseases. Last evaluated: 2021-08-23. Review status: criteria provided, single submitter. Criteria: Ambry Variant Classification Scheme 2023. Collection method: clinical testing. Allele origin: germline.

Illumina Laboratory Services, Illumina
Classification: Benign for Vitreoretinopathy. Last evaluated: 2018-01-13. Review status: criteria provided, single submitter. Criteria: ICSL Variant Classification Criteria 13 December 2019. Collection method: clinical testing. Allele origin: germline.
Comment: This variant was observed in the ICSL laboratory as part of a predisposition screen in an ostensibly healthy population. It had not been previously curated by ICSL or reported in the Human Gene Mutation Database (HGMD: prior to June 1st, 2018), and was therefore a candidate for classification through an automated scoring system. Utilizing variant allele frequency, disease prevalence and penetrance estimates, and inheritance mode, an automated score was calculated to assess if this variant is too frequent to cause the disease. Based on the score and internal cut-off values, a variant classified as benign is not then subjected to further curation. The score for this variant resulted in a classification of benign for this disease.

PreventionGenetics, part of Exact Sciences
Classification: Likely benign for VCAN-related condition. Last evaluated: 2023-03-28. Review status: no assertion criteria provided. Collection method: clinical testing. Allele origin: germline. Not counted in ClinVar's aggregate classification.
Comment: This variant is classified as likely benign based on ACMG/AMP sequence variant interpretation guidelines (Richards et al. 2015 PMID: 25741868, with internal and published modifications).

Clinical Genetics DNA and cytogenetics Diagnostics Lab, Erasmus MC, Erasmus Medical Center
Classification: Uncertain significance. Review status: no assertion criteria provided. Collection method: clinical testing. Allele origin: germline. Affected: yes. Study: VKGL Data-share Consensus. Not counted in ClinVar's aggregate classification.

Clinical Genetics, Academic Medical Center
Classification: Uncertain significance. Review status: no assertion criteria provided. Collection method: clinical testing. Allele origin: germline. Affected: yes. Study: VKGL Data-share Consensus. Not counted in ClinVar's aggregate classification.

NM_004385.5(VCAN):c.1931C>T (p.Pro644Leu)

Gene: VCAN (versican; plus strand). Cytogenetic location: 5q14.3.
Variant type: single nucleotide variant.
Coding change: c.1931C>T on transcript NM_004385.5 (MANE Select); coding-DNA position 1931, C replaced by T.
Protein change: p.Pro644Leu; replaces proline 644 with leucine.
Molecular consequence: missense variant. On other transcripts: intron variant (2).
Genome position (GRCh38, 1-based): chr5:83,520,237, C>T. VCF-style: chr5-83520237-C-T. GRCh37 (hg19) VCF-style: chr5-82816056-C-T.
Other names: c.1931C>T, p.Pro644Leu (NM_001164098.2); c.1042+7841C>T (NM_001164097.2, NM_001126336.3); short protein forms P644L.
Identifiers: ClinVar variation 354401 (VCV000354401.22), dbSNP rs148104757, ClinGen allele CA3332754.
Genomic context (GRCh38, chr5:83,520,237, plus strand): 5'-AGAGACAAACTAGTGGTAGGATAACGGAAGAGTTTCTTGGCAAATATCTGTCTACTACAC[C>T]TTTTCCATCACAGCATCGTACAGAAATAGAATTGTTTCCTTATTCTGGTGATAAAATATT-3'
Protein context (NP_004376.2, residues 634-654): EFLGKYLSTT[Pro644Leu]FPSQHRTEIE